The following is an entry in ClinVar:

NM_006736.6(DNAJB2):c.787C>T (p.Leu263=)

Gene: DNAJB2 (DnaJ heat shock protein family (Hsp40) member B2; plus strand). Cytogenetic location: 2q35.
Variant type: single nucleotide variant.
Coding change: c.787C>T on transcript NM_006736.6 (MANE Select); coding-DNA position 787, C replaced by T.
Protein change: p.Leu263=; no amino-acid change (leucine 263 retained).
Molecular consequence: synonymous variant.
Genome position (GRCh38, 1-based): chr2:219,284,799, C>T. VCF-style: chr2-219284799-C-T. GRCh37 (hg19) VCF-style: chr2-220149521-C-T.
Other names: p.Leu263=; c.787C>T, p.Leu263= (NM_001039550.2).
Identifiers: ClinVar variation 377780 (VCV000377780.42), dbSNP rs140805390, ClinGen allele CA2123103.

ClinVar aggregate classification (germline): Likely benign. Review status: criteria provided, multiple submitters, no conflicts (2 of 4 stars). 6 submissions from 6 submitters: Likely benign (6). Last evaluated 2025-12-19.

Conditions:
Inborn genetic diseases. Identifiers: MedGen C0950123, MeSH D030342.
Neuronopathy, distal hereditary motor, autosomal recessive 5. Also called: Young adult-onset distal hereditary motor neuropathy; Spinal muscular atrophy, distal, autosomal recessive, 5; NEUROPATHY, DISTAL HEREDITARY MOTOR, AUTOSOMAL RECESSIVE 5. Identifiers: Orphanet 314485, Orphanet 443950, MedGen C4749918, MONDO:0013947, OMIM 614881.
Charcot-Marie-Tooth disease. Also called: Charcot-Marie-Tooth Neuropathy; Charcot-Marie-Tooth Hereditary Neuropathy. Identifiers: Orphanet 166, MedGen C0007959, MONDO:0015626.

Allele frequency attached by ClinVar (database versions not stated): 1000 Genomes Project 30x 0.00016; 1000 Genomes Project 0.00020; TOPMed 0.00026; ESP Exome Variant Server 0.00038; ExAC 0.00044; gnomAD exomes 0.00046 and 0.00060; gnomAD 0.00056 and 0.00058.

Submissions (6):

Labcorp Genetics (formerly Invitae), Labcorp
Classification: Likely benign for Neuronopathy, distal hereditary motor, autosomal recessive 5. Last evaluated: 2025-12-19. Review status: criteria provided, single submitter. Criteria: Invitae Variant Classification Sherloc (09022015). Collection method: clinical testing. Allele origin: germline.

CeGaT Center for Human Genetics Tuebingen
Classification: Likely benign. Last evaluated: 2025-07-01. Review status: criteria provided, single submitter. Criteria: CeGaT Center For Human Genetics Tuebingen Variant Classification Criteria Version 2. Collection method: clinical testing. Allele origin: germline. Affected: yes. Observed: 3 variant alleles.
Comment: DNAJB2: BP4, BP7

Mayo Clinic Laboratories, Mayo Clinic
Classification: Likely benign. Last evaluated: 2024-04-24. Review status: criteria provided, single submitter. Criteria: ACMG Guidelines, 2015. Collection method: clinical testing. Allele origin: germline. Observed: 3 variant alleles.
Comment: BS1, BP4, BP7

Ambry Genetics
Classification: Likely benign for Inborn genetic diseases. Last evaluated: 2019-07-11. Review status: criteria provided, single submitter. Criteria: Ambry Variant Classification Scheme 2023. Collection method: clinical testing. Allele origin: germline.

GeneDx
Classification: Likely benign. Last evaluated: 2017-11-21. Review status: criteria provided, single submitter. Criteria: GeneDx Variant Classification (06012015). Collection method: clinical testing. Allele origin: germline. Affected: yes.
Comment: This variant is considered likely benign or benign based on one or more of the following criteria: it is a conservative change, it occurs at a poorly conserved position in the protein, it is predicted to be benign by multiple in silico algorithms, and/or has population frequency not consistent with disease.

Molecular Genetics Laboratory, London Health Sciences Centre
Classification: Likely benign for Charcot-Marie-Tooth disease. Review status: criteria provided, single submitter. Criteria: ACMG Guidelines, 2015. Collection method: clinical testing. Allele origin: germline. Affected: yes.